The following is an entry in ClinVar:

ClinVar aggregate classification (germline): Pathogenic/Likely pathogenic. Review status: criteria provided, multiple submitters, no conflicts (2 of 4 stars). 6 submissions from 6 submitters: Pathogenic (3); Likely pathogenic (3). Last evaluated 2025-11-04.

Conditions:
Pitt-Hopkins syndrome (PTHS). Also called: MENTAL RETARDATION, SYNDROMAL, WITH INTERMITTENT HYPERVENTILATION; ENCEPHALOPATHY, SEVERE EPILEPTIC, WITH AUTONOMIC DYSFUNCTION. Identifiers: Orphanet 2896, MedGen C1970431, MONDO:0012589, OMIM 610954.
Global developmental delay (DD). Also called: Cognitive delay. Identifiers: MedGen C0557874, HP:0001263. Disease mechanism: loss of function.

Submissions (6):

Labcorp Genetics (formerly Invitae), Labcorp
Classification: Pathogenic for Pitt-Hopkins syndrome. Last evaluated: 2025-11-04. Review status: criteria provided, single submitter. Criteria: Invitae Variant Classification Sherloc (09022015). Collection method: clinical testing. Allele origin: germline.
Comment: This sequence change replaces arginine, which is basic and polar, with cysteine, which is neutral and slightly polar, at codon 578 of the TCF4 protein (p.Arg578Cys). This variant is not present in population databases (gnomAD no frequency). This missense change has been observed in individual(s) with clinical features of Pitt-Hopkins syndrome (PMID: 22678594, 34128147). In at least one individual the variant was observed to be de novo. ClinVar contains an entry for this variant (Variation ID: 1343925). Invitae Evidence Modeling of protein sequence and biophysical properties (such as structural, functional, and spatial information, amino acid conservation, physicochemical variation, residue mobility, and thermodynamic stability) indicates that this missense variant is expected to disrupt TCF4 protein function with a positive predictive value of 95%. This variant disrupts the p.Arg578 amino acid residue in TCF4. Other variant(s) that disrupt this residue have been determined to be pathogenic (PMID: 18728071, 21671391, 22460224, 29695756). This suggests that this residue is clinically significant, and that variants that disrupt this residue are likely to be disease-causing. For these reasons, this variant has been classified as Pathogenic.

Clinical Genomics Laboratory, Washington University in St. Louis
Classification: Pathogenic for Pitt-Hopkins syndrome. Last evaluated: 2025-09-02. Review status: criteria provided, single submitter. Criteria: ACMG Guidelines, 2015. Collection method: clinical testing. Allele origin: germline. Affected: yes.
Comment: The TCF4 c.1732C>T (p.Arg578Cys) variant has been reported in two individuals affected with Pitt-Hopkins syndrome (Marangi G et al., PMID: 22678594; Zhao T et al., PMID: 34128147). This variant has been reported as occurring de novo in one individual affected with Pitt-Hopkins syndrome (Zhao T et al., PMID: 34128147). This variant is absent from the general population (gnomAD v.2.1.1), indicating it is not a common variant. This variant has been reported as a germline pathogenic variant by two submitters and as a likely pathogenic variant by three submitters. This missense variant replaces an arginine residue with a cysteine that is defined as critical region for the structure of the Basic Helix-Loop-Helix domain (bHLH) (McKnight D et al., PMID: 34837432). Computational predictors indicate that the variant is damaging, evidence that correlates with impact to TCF4 function. Based on recommendations by the ClinGen Rett/Angelman-like expert panel for gene-specific variant interpretation methods and the ACMG/AMP guidelines for variant interpretation (McKnight D et al., PMID: 34837432; Richards S et al., PMID: 25741868), this variant is classified as pathogenic.

GeneDx
Classification: Pathogenic. Last evaluated: 2024-07-24. Review status: criteria provided, single submitter. Criteria: GeneDx Variant Classification Process June 2021. Collection method: clinical testing. Allele origin: germline. Affected: yes.
Comment: Not observed at significant frequency in large population cohorts (gnomAD); In silico analysis supports that this missense variant has a deleterious effect on protein structure/function; This variant is associated with the following publications: (PMID: 33093012, 22678594, 34128147)

3billion
Classification: Likely pathogenic for Pitt-Hopkins syndrome. Last evaluated: 2023-02-23. Review status: criteria provided, single submitter. Criteria: ACMG Guidelines, 2015. Collection method: clinical testing. Allele origin: unknown. Affected: yes.
Comment: The variant is not observed in the gnomAD v2.1.1 dataset. The variant is located in a mutational hot spot and/or well-established functional domain in which established pathogenic variants have been reported. In silico tool predictions suggest damaging effect of the variant on gene or gene product (REVEL: 0.95; 3Cnet: 1.00). Same nucleotide change resulting in same amino acid change has been previously reported to be associated with TCF4 related disorder (ClinVar ID: VCV001343925 / PMID: 22678594). The variant has been observed in at least two similarly affected unrelated individuals (PMID: 22678594, 34128147). Different missense changes at the same codon (p.Arg578His, p.Arg578Pro) have been reported as pathogenic/likely pathogenic with strong evidence (ClinVar ID: VCV000007374, VCV000093542). Therefore, this variant is classified as Likely pathogenic according to the recommendation of ACMG/AMP guideline.

Revvity Omics, Revvity
Classification: Likely pathogenic. Last evaluated: 2023-02-18. Review status: criteria provided, single submitter. Criteria: ACMG Guidelines, 2015. Collection method: clinical testing. Allele origin: germline.

Human Genetics Bochum, Ruhr University Bochum
Classification: Likely pathogenic for Global developmental delay. Last evaluated: 2022-07-14. Review status: criteria provided, single submitter. Criteria: ACMG Guidelines, 2015. Collection method: clinical testing. Allele origin: germline. Affected: yes.
Comment: ACMG criteria used to clasify this variant: PS4, PS2_MOD, PM2_SUP, PP3

Literature cited by the submitters: PubMed 22678594 (cited by Labcorp Genetics (formerly Invitae), Labcorp and 3billion); PubMed 34128147 (cited by Labcorp Genetics (formerly Invitae), Labcorp and 3billion); PubMed 18728071 (cited by Labcorp Genetics (formerly Invitae), Labcorp); PubMed 21671391 (cited by Labcorp Genetics (formerly Invitae), Labcorp); PubMed 22460224 (cited by Labcorp Genetics (formerly Invitae), Labcorp); PubMed 29695756 (cited by Labcorp Genetics (formerly Invitae), Labcorp); PubMed 34837432 (cited by 3billion).

NM_001083962.2(TCF4):c.1732C>T (p.Arg578Cys)

Gene: TCF4 (transcription factor 4; minus strand). Cytogenetic location: 18q21.2.
Variant type: single nucleotide variant.
Coding change: c.1732C>T on transcript NM_001083962.2 (MANE Select); coding-DNA position 1732, C replaced by T.
Protein change: p.Arg578Cys; replaces arginine 578 with cysteine.
Molecular consequence: missense variant.
Genome position (GRCh38, 1-based): chr18:55,228,994, G>A on the plus strand (C>T on the coding strand, the complement: TCF4 is on the minus strand). VCF-style: chr18-55228994-G-A. GRCh37 (hg19) VCF-style: chr18-52896225-G-A.
Other names: c.2038C>T, p.Arg680Cys (NM_001243226.3); c.1660C>T, p.Arg554Cys (NM_001243227.2, NM_001348217.1, NM_001348218.2 and 1 more transcripts); c.1750C>T, p.Arg584Cys (NM_001243228.2); c.1711C>T, p.Arg571Cys (NM_001243230.2); c.1594C>T, p.Arg532Cys (NM_001243231.2); c.1519C>T, p.Arg507Cys (NM_001243232.1); c.1330C>T, p.Arg444Cys (NM_001243233.2, NM_001348212.2); c.1252C>T, p.Arg418Cys (NM_001243234.2, NM_001348216.2); and 14 more; short protein forms R362C, R413C, R414C, R418C, R444C, R448C, R503C, R507C.
Identifiers: ClinVar variation 1343925 (VCV001343925.11), dbSNP rs2144406630, ClinGen allele CA402528911.